The following is an entry in ClinVar:

ClinVar aggregate classification (germline): Uncertain significance (1 of 4 stars; one submission).

Conditions:
Duchenne muscular dystrophy (DMD). Also called: MUSCULAR DYSTROPHY, PSEUDOHYPERTROPHIC PROGRESSIVE, DUCHENNE TYPE; Duchenne Muscular Dystrophy (DMD). Identifiers: Orphanet 98896, MedGen C0013264, MONDO:0010679, OMIM 310200.

Submission:

Labcorp Genetics (formerly Invitae), Labcorp
Classification: Uncertain significance for Duchenne muscular dystrophy. Last evaluated: 2024-11-16. Review status: criteria provided, single submitter. Criteria: Invitae Variant Classification Sherloc (09022015). Collection method: clinical testing. Allele origin: germline.
Comment: This sequence change replaces lysine, which is basic and polar, with asparagine, which is neutral and polar, at codon 2852 of the DMD protein (p.Lys2852Asn). This variant is not present in population databases (gnomAD no frequency). This variant has not been reported in the literature in individuals affected with DMD-related conditions. Invitae Evidence Modeling of protein sequence and biophysical properties (such as structural, functional, and spatial information, amino acid conservation, physicochemical variation, residue mobility, and thermodynamic stability) indicates that this missense variant is not expected to disrupt DMD protein function with a negative predictive value of 95%. In summary, the available evidence is currently insufficient to determine the role of this variant in disease. Therefore, it has been classified as a Variant of Uncertain Significance.

NM_004006.3(DMD):c.8556G>T (p.Lys2852Asn)

Gene: DMD (dystrophin; minus strand). Cytogenetic location: Xp21.2.
Variant type: single nucleotide variant.
Coding change: c.8556G>T on transcript NM_004006.3 (MANE Select); coding-DNA position 8556, G replaced by T.
Protein change: p.Lys2852Asn; replaces lysine 2852 with asparagine.
Molecular consequence: missense variant.
Genome position (GRCh38, 1-based): chrX:31,479,095, C>A on the plus strand (G>T on the coding strand, the complement: DMD is on the minus strand). VCF-style: chrX-31479095-C-A. GRCh37 (hg19) VCF-style: chrX-31497212-C-A.
Other names: c.8532G>T, p.Lys2844Asn (NM_000109.4); c.8544G>T, p.Lys2848Asn (NM_004009.3); c.8187G>T, p.Lys2729Asn (NM_004010.3); c.4533G>T, p.Lys1511Asn (NM_004011.4); c.4524G>T, p.Lys1508Asn (NM_004012.4); c.1176G>T, p.Lys392Asn (NM_004013.3, NM_004020.4, NM_004021.3 and 2 more transcripts); c.369G>T, p.Lys123Asn (NM_004014.3); short protein forms K1511N, K2844N, K2848N, K2852N, K2729N, K123N, K1508N, K392N.
Identifiers: ClinVar variation 3634798 (VCV003634798.2).